The following is an entry in ClinVar:

ClinVar aggregate classification (germline): Pathogenic. Review status: criteria provided, multiple submitters, no conflicts (2 of 4 stars). 4 submissions from 4 submitters: Pathogenic (4). Last evaluated 2026-04-01.

Conditions:
Hereditary cancer-predisposing syndrome. Also called: Hereditary Cancer Syndrome; Hereditary neoplastic syndrome; Tumor predisposition; Neoplastic Syndromes, Hereditary. Identifiers: Orphanet 140162, MedGen C0027672, MeSH D009386, MONDO:0015356.
Cardiovascular phenotype. Identifiers: MedGen CN230736.
Neurofibromatosis, type 1 (NF1). Also called: Peripheral type neurofibromatosis; Neurofibromatosis, type I; VON RECKLINGHAUSEN DISEASE; NEUROFIBROMATOSIS, TYPE I, SOMATIC. Identifiers: Orphanet 636, MedGen C0027831, MONDO:0018975, OMIM 162200. Disease mechanism: loss of function.

Submissions (4):

Department of Genetics, Sultan Qaboos University Hospital
Classification: Pathogenic for Neurofibromatosis, type 1. Last evaluated: 2026-04-01. Review status: criteria provided, single submitter. Criteria: ACMG Guidelines, 2015. Collection method: clinical testing. Allele origin: germline. Affected: yes. Observed: 1 variant allele.
Comment: PVS1,PM2,PP5_Very_Strong

GeneDx
Classification: Pathogenic. Last evaluated: 2025-01-02. Review status: criteria provided, single submitter. Criteria: GeneDx Variant Classification Process June 2021. Collection method: clinical testing. Allele origin: germline.
Comment: Frameshift variant predicted to result in protein truncation or nonsense mediated decay in a gene for which loss of function is a known mechanism of disease; Not observed at significant frequency in large population cohorts (gnomAD); This variant is associated with the following publications: (PMID: 18546366)

Labcorp Genetics (formerly Invitae), Labcorp
Classification: Pathogenic for Neurofibromatosis, type 1. Last evaluated: 2024-11-26. Review status: criteria provided, single submitter. Criteria: Invitae Variant Classification Sherloc (09022015). Collection method: clinical testing. Allele origin: germline.
Comment: This sequence change creates a premature translational stop signal (p.Lys2574Serfs*5) in the NF1 gene. It is expected to result in an absent or disrupted protein product. Loss-of-function variants in NF1 are known to be pathogenic (PMID: 10712197, 23913538). This variant is not present in population databases (gnomAD no frequency). This premature translational stop signal has been observed in individual(s) with clinical features of neurofibromatosis, type 1 (PMID: 18546366). ClinVar contains an entry for this variant (Variation ID: 652439). For these reasons, this variant has been classified as Pathogenic.

Ambry Genetics
Classification: Pathogenic for Cardiovascular phenotype; Hereditary cancer-predisposing syndrome. Last evaluated: 2022-05-06. Review status: criteria provided, single submitter. Criteria: Ambry Variant Classification Scheme 2023. Collection method: clinical testing. Allele origin: germline.
Comment: The c.7721_7722delAA pathogenic mutation, located in coding exon 52 of the NF1 gene, results from a deletion of two nucleotides at nucleotide positions 7721 to 7722, causing a translational frameshift with a predicted alternate stop codon (p.K2574Sfs*5). This alteration was identified in 1 of 374 patients undergoing genetic testing due to a diagnosis or clinical suspicion of neurofibromatosis type 1 (Pros E et al. Hum Mutat, 2008 Sep;29:E173-93). This variant is considered to be rare based on population cohorts in the Genome Aggregation Database (gnomAD). In addition to the clinical data presented in the literature, this alteration is expected to result in loss of function by premature protein truncation or nonsense-mediated mRNA decay. As such, this alteration is interpreted as a disease-causing mutation.

Literature cited by the submitters: PubMed 10712197 (cited by Labcorp Genetics (formerly Invitae), Labcorp); PubMed 23913538 (cited by Labcorp Genetics (formerly Invitae), Labcorp); PubMed 18546366 (cited by Labcorp Genetics (formerly Invitae), Labcorp).

NM_001042492.3(NF1):c.7784_7785del (p.Lys2595fs)

Gene: NF1 (neurofibromin 1; plus strand). Cytogenetic location: 17q11.2.
Variant type: Deletion.
Coding change: c.7784_7785del on transcript NM_001042492.3 (MANE Select); coding-DNA positions 7784 to 7785, 2 bases deleted (AA; older notation c.7784_7785delAA).
Protein change: p.Lys2595fs; shifts the reading frame from lysine 2595.
Molecular consequence: frameshift variant.
Genome position (GRCh38, 1-based): chr17:31,357,005-31,357,006, AA deleted; deleting any 2 consecutive bases within chr17:31,357,004-31,357,006 gives the same sequence; the c. name uses the placement nearest the transcript's 3' end. VCF-style (leftmost placement, unchanged base first): chr17-31357003-TAA-T. GRCh37 (hg19) VCF-style: chr17-29684021-TAA-T.
Other names: c.7721_7722delAA (NM_000267.3); c.7721_7722delAA, p.Lys2574Serfs (NM_000267.4); c.7784_7785delAA, p.Lys2595Serfs (NM_001042492.2); c.7784_7785del (NM_001042492.2); short protein forms K2595fs, K2574fs.
Identifiers: ClinVar variation 652439 (VCV000652439.11), dbSNP rs1597866414, ClinGen allele CA645572279.